The following is an entry in ClinVar:

ClinVar aggregate classification (germline): Pathogenic/Likely pathogenic. Review status: criteria provided, multiple submitters, no conflicts (2 of 4 stars). 2 submissions from 2 submitters: Pathogenic (1); Likely pathogenic (1). Last evaluated 2025-10-22.

Conditions:
Thrombophilia due to protein S deficiency, autosomal recessive (THPH6). Identifiers: Orphanet 743, MedGen C3281092, MONDO:0013791, OMIM 614514. Disease mechanism: loss of function.

Submissions (2):

Labcorp Genetics (formerly Invitae), Labcorp
Classification: Pathogenic for Thrombophilia due to protein S deficiency, autosomal recessive. Last evaluated: 2025-10-22. Review status: criteria provided, single submitter. Criteria: Invitae Variant Classification Sherloc (09022015). Collection method: clinical testing. Allele origin: germline.
Comment: This sequence change affects an acceptor splice site in intron 2 of the PROS1 gene. It is expected to disrupt RNA splicing. Variants that disrupt the donor or acceptor splice site typically lead to a loss of protein function (PMID: 16199547), and loss-of-function variants in PROS1 are known to be pathogenic (PMID: 9241758). This variant is not present in population databases (gnomAD no frequency). Disruption of this splice site has been observed in individual(s) with protein S deficiency (PMID: 9375743; internal data). ClinVar contains an entry for this variant (Variation ID: 3910380). Studies have shown that disruption of this splice site alters PROS1 gene expression (PMID: 9375743). Algorithms developed to predict the effect of sequence changes on RNA splicing suggest that this variant may disrupt the consensus splice site. For these reasons, this variant has been classified as Pathogenic.

Laboratory of Genetics, Children's Clinical University Hospital Latvia
Classification: Likely pathogenic. Last evaluated: 2025-02-16. Review status: criteria provided, single submitter. Criteria: ACMG Guidelines, 2015. Collection method: clinical testing. Allele origin: germline. Affected: yes.

Literature cited by the submitters: PubMed 16199547 (cited by Labcorp Genetics (formerly Invitae), Labcorp); PubMed 9241758 (cited by Labcorp Genetics (formerly Invitae), Labcorp); PubMed 9375743 (cited by Labcorp Genetics (formerly Invitae), Labcorp).

NM_000313.4(PROS1):c.235-2A>G

Gene: PROS1 (protein S; minus strand). Cytogenetic location: 3q11.1.
Variant type: single nucleotide variant.
Coding change: c.235-2A>G on transcript NM_000313.4 (MANE Select); the canonical splice acceptor site of the intron before coding-DNA position 235, A replaced by G.
Molecular consequence: splice acceptor variant.
Genome position (GRCh38, 1-based): chr3:93,924,266, T>C on the plus strand (A>G on the coding strand, the complement: PROS1 is on the minus strand). VCF-style: chr3-93924266-T-C. GRCh37 (hg19) VCF-style: chr3-93643110-T-C.
Other names: c.331-2A>G (NM_001314077.2).
Identifiers: ClinVar variation 3910380 (VCV003910380.2).